The following is an entry in ClinVar:

ClinVar aggregate classification (germline): Uncertain significance (1 of 4 stars; one submission).

Conditions:
Cardiovascular phenotype. Identifiers: MedGen CN230736.

Submission:

Ambry Genetics
Classification: Uncertain significance for Cardiovascular phenotype. Last evaluated: 2022-01-10. Review status: criteria provided, single submitter. Criteria: Ambry Variant Classification Scheme 2023. Collection method: clinical testing. Allele origin: germline.
Comment: The p.R2666L variant (also known as c.7997G>T), located in coding exon 2 of the ZNF469 gene, results from a G to T substitution at nucleotide position 7997. The arginine at codon 2666 is replaced by leucine, an amino acid with dissimilar properties. This amino acid position is conserved. In addition, this alteration is predicted to be tolerated by in silico analysis. Since supporting evidence is limited at this time, the clinical significance of this alteration remains unclear.

NM_001367624.2(ZNF469):c.8081G>T (p.Arg2694Leu)

Gene: ZNF469 (zinc finger protein 469; plus strand). Cytogenetic location: 16q24.2.
Variant type: single nucleotide variant.
Coding change: c.8081G>T on transcript NM_001367624.2 (MANE Select); coding-DNA position 8081, G replaced by T.
Protein change: p.Arg2694Leu; replaces arginine 2694 with leucine.
Molecular consequence: missense variant.
Genome position (GRCh38, 1-based): chr16:88,435,551, G>T. VCF-style: chr16-88435551-G-T. GRCh37 (hg19) VCF-style: chr16-88501959-G-T.
Other names: NM_001127464.1:c.7997G>T; short protein forms R2694L.
Identifiers: ClinVar variation 1761527 (VCV001761527.2), dbSNP rs889719149, ClinGen allele CA397115863.